The following is an entry in ClinVar:

NM_000431.4(MVK):c.721C>T (p.Arg241Cys)

Gene: MVK (mevalonate kinase; plus strand). Cytogenetic location: 12q24.11.
Variant type: single nucleotide variant.
Coding change: c.721C>T on transcript NM_000431.4 (MANE Select); coding-DNA position 721, C replaced by T.
Protein change: p.Arg241Cys; replaces arginine 241 with cysteine.
Molecular consequence: missense variant.
Genome position (GRCh38, 1-based): chr12:109,590,814, C>T. VCF-style: chr12-109590814-C-T. GRCh37 (hg19) VCF-style: chr12-110028619-C-T.
Other names: c.721C>T, p.Arg241Cys (NM_001114185.3); c.565C>T, p.Arg189Cys (NM_001301182.2); short protein forms R189C, R241C.
Identifiers: ClinVar variation 1472357 (VCV001472357.9), dbSNP rs758427037, ClinGen allele CA243459448.
Genomic context (GRCh38, chr12:109,590,814, plus strand): 5'-TCCTCTTCACCCTGCAGGTCGCCAGCTCTCCAGATCCTGCTGACCAACACCAAAGTCCCT[C>T]GCAATACCAGGGCCCTTGTGGCTGGCGTCAGAAACAGGCTGCTCAAGGTGACTCTTGTTC-3'
Protein context (NP_000422.1, residues 231-251): QILLTNTKVP[Arg241Cys]NTRALVAGVR

ClinVar aggregate classification (germline): Conflicting classifications of pathogenicity. Review status: criteria provided, conflicting classifications (1 of 4 stars). 2 submissions from 2 submitters: Likely pathogenic (1); Uncertain significance (1). Last evaluated 2024-05-16.

Conditions:
Hyperimmunoglobulin D with periodic fever (HIDS). Also called: HYPERIMMUNOGLOBULINEMIA D AND PERIODIC FEVER SYNDROME; Hyperimmunoglobulinemia D with periodic fever; Hyperimmunoglobulinemia D. Identifiers: Orphanet 343, MedGen C0398691, MONDO:0009849, OMIM 260920.
Porokeratosis 3, disseminated superficial actinic type (POROK3). Also called: POROKERATOSIS, DISSEMINATED SUPERFICIAL ACTINIC, 1; POROKERATOSIS 3, MULTIPLE TYPES; POROKERATOSIS 3, MIBELLI TYPE. Identifiers: MedGen C1867981, MONDO:0008293, OMIM 175900.
Mevalonic aciduria (MEVA). Identifiers: Orphanet 29, MedGen C1959626, MONDO:0012481, OMIM 610377.

Allele frequency attached by ClinVar (database versions not stated): gnomAD exomes 0.00001; TOPMed 0.00002.

Submissions (2):

Fulgent Genetics
Classification: Uncertain significance for Porokeratosis 3, disseminated superficial actinic type; Hyperimmunoglobulin D with periodic fever; Mevalonic aciduria. Last evaluated: 2024-05-16. Review status: criteria provided, single submitter. Criteria: ACMG Guidelines, 2015. Collection method: clinical testing. Allele origin: germline.

Labcorp Genetics (formerly Invitae), Labcorp
Classification: Likely pathogenic for Mevalonic aciduria; Hyperimmunoglobulin D with periodic fever; Porokeratosis 3, disseminated superficial actinic type. Last evaluated: 2024-01-28. Review status: criteria provided, single submitter. Criteria: Invitae Variant Classification Sherloc (09022015). Collection method: clinical testing. Allele origin: germline.
Comment: This sequence change replaces arginine, which is basic and polar, with cysteine, which is neutral and slightly polar, at codon 241 of the MVK protein (p.Arg241Cys). This variant is present in population databases (rs758427037, gnomAD 0.003%). This missense change has been observed in individual(s) with mevalonic aciduria (PMID: 22271696). ClinVar contains an entry for this variant (Variation ID: 1472357). Advanced modeling of protein sequence and biophysical properties (such as structural, functional, and spatial information, amino acid conservation, physicochemical variation, residue mobility, and thermodynamic stability) performed at Invitae indicates that this missense variant is expected to disrupt MVK protein function with a positive predictive value of 80%. In summary, the currently available evidence indicates that the variant is pathogenic, but additional data are needed to prove that conclusively. Therefore, this variant has been classified as Likely Pathogenic.

Literature cited by the submitters: PubMed 22271696 (cited by Labcorp Genetics (formerly Invitae), Labcorp).